The following is an entry in ClinVar:

ClinVar aggregate classification (germline): Likely pathogenic (1 of 4 stars; one submission).

Conditions:
Interstitial lung disease due to ABCA3 deficiency. Also called: PULMONARY ALVEOLAR PROTEINOSIS, CONGENITAL, 3. Identifiers: Orphanet 440402, MedGen C1970456, MONDO:0012582, OMIM 610921.

Submission:

Institute of Medical Genetics and Genomics, Sir Ganga Ram Hospital
Classification: Likely pathogenic for Interstitial lung disease due to ABCA3 deficiency. Last evaluated: 2023-10-23. Review status: criteria provided, single submitter. Criteria: ACMG Guidelines, 2015. Collection method: clinical testing. Allele origin: germline. Inheritance: Autosomal recessive inheritance. Affected: yes. Observed: 1 homozygote.
Comment: Lung biopsy showed type-2 pneumocyte hyperplasia, foamy macrophages, no alveolar proteinosis. This nucleotide change absent in gnomAD database [PM2]. Insilico prediction [REVEL: 0.9] predicts a deleterious nature of this variant [PP3]. A clinvar entry for this variant is not available to our knowledge. Based on the clinical correlation and available evidence, this variant is classified as "Likely Pathogenic"

NM_001089.3(ABCA3):c.1310T>C (p.Leu437Pro)

Gene: ABCA3 (ATP binding cassette subfamily A member 3; minus strand). Cytogenetic location: 16p13.3.
Variant type: single nucleotide variant.
Coding change: c.1310T>C on transcript NM_001089.3 (MANE Select); coding-DNA position 1310, T replaced by C.
Protein change: p.Leu437Pro; replaces leucine 437 with proline.
Molecular consequence: missense variant.
Genome position (GRCh38, 1-based): chr16:2,304,126, A>G on the plus strand (T>C on the coding strand, the complement: ABCA3 is on the minus strand). VCF-style: chr16-2304126-A-G. GRCh37 (hg19) VCF-style: chr16-2354127-A-G.
Other names: short protein forms L437P.
Identifiers: ClinVar variation 2626768 (VCV002626768.1), dbSNP rs2505650118, ClinGen allele CA394337762.